The following is an entry in ClinVar:

ClinVar aggregate classification (germline): Uncertain significance (1 of 4 stars; one submission).

Submission:

Labcorp Genetics (formerly Invitae), Labcorp
Classification: Uncertain significance. Last evaluated: 2025-02-02. Review status: criteria provided, single submitter. Criteria: Invitae Variant Classification Sherloc (09022015). Collection method: clinical testing. Allele origin: germline.
Comment: This sequence change affects codon 92 of the HELLS mRNA. It is a 'silent' change, meaning that it does not change the encoded amino acid sequence of the HELLS protein. This variant also falls at the last nucleotide of exon 3, which is part of the consensus splice site for this exon. This variant is not present in population databases (gnomAD no frequency). This variant has not been reported in the literature in individuals affected with HELLS-related conditions. Variants that disrupt the consensus splice site are a relatively common cause of aberrant splicing (PMID: 17576681, 9536098). Algorithms developed to predict the effect of sequence changes on RNA splicing suggest that this variant is not likely to affect RNA splicing. In summary, the available evidence is currently insufficient to determine the role of this variant in disease. Therefore, it has been classified as a Variant of Uncertain Significance.

Literature cited by the submitters: PubMed 17576681; PubMed 9536098.

NM_018063.5(HELLS):c.276G>A (p.Glu92=)

Gene: HELLS (helicase, lymphoid specific; plus strand). Cytogenetic location: 10q23.33.
Variant type: single nucleotide variant.
Coding change: c.276G>A on transcript NM_018063.5 (MANE Select); coding-DNA position 276, G replaced by A.
Protein change: p.Glu92=; no amino-acid change (glutamic acid 92 retained).
Molecular consequence: synonymous variant. On other transcripts: 5 prime UTR variant (4).
Genome position (GRCh38, 1-based): chr10:94,554,248, G>A. VCF-style: chr10-94554248-G-A. GRCh37 (hg19) VCF-style: chr10-96314005-G-A.
Other names: c.276G>A, p.Glu92= (NM_001289067.2, NM_001289069.2, NM_001289070.2 and 1 more transcripts); c.228G>A, p.Glu76= (NM_001289068.2); c.-141G>A (NM_001289071.2); c.-74G>A (NM_001289073.2); c.-727G>A (NM_001289074.2); c.-746G>A (NM_001289075.2).
Identifiers: ClinVar variation 4712153 (VCV004712153.1).